The following is an entry in ClinVar:

NM_003105.6(SORL1):c.1919G>A (p.Gly640Glu)

Gene: SORL1 (sortilin related receptor 1; plus strand). Cytogenetic location: 11q24.1.
Variant type: single nucleotide variant.
Coding change: c.1919G>A on transcript NM_003105.6 (MANE Select); coding-DNA position 1919, G replaced by A.
Protein change: p.Gly640Glu; replaces glycine 640 with glutamic acid.
Molecular consequence: missense variant.
Genome position (GRCh38, 1-based): chr11:121,545,297, G>A. VCF-style: chr11-121545297-G-A. GRCh37 (hg19) VCF-style: chr11-121416006-G-A.
Other names: short protein forms G640E.
Identifiers: ClinVar variation 3604209 (VCV003604209.2).

ClinVar aggregate classification (germline): Uncertain significance (1 of 4 stars; one submission).

gnomAD v4.1: 4 of 1,613,928 alleles (0.00025%); highest among the groups gnomAD compares: East Asian, 0.0022%; no homozygotes.

Submission:

Labcorp Genetics (formerly Invitae), Labcorp
Classification: Uncertain significance. Last evaluated: 2024-08-31. Review status: criteria provided, single submitter. Criteria: Invitae Variant Classification Sherloc (09022015). Collection method: clinical testing. Allele origin: germline.
Comment: This sequence change replaces glycine, which is neutral and non-polar, with glutamic acid, which is acidic and polar, at codon 640 of the SORL1 protein (p.Gly640Glu). This variant is present in population databases (rs373465580, gnomAD 0.006%). This variant has not been reported in the literature in individuals affected with SORL1-related conditions. An algorithm developed to predict the effect of missense changes on protein structure and function (PolyPhen-2) suggests that this variant is likely to be disruptive. In summary, the available evidence is currently insufficient to determine the role of this variant in disease. Therefore, it has been classified as a Variant of Uncertain Significance.